The following is an entry in ClinVar:

NM_001283009.2(RTEL1):c.3379C>G (p.Arg1127Gly)

Genes: RTEL1 (regulator of telomere elongation helicase 1; plus strand), RTEL1-TNFRSF6B (RTEL1-TNFRSF6B readthrough (NMD candidate); plus strand). Cytogenetic location: 20q13.33.
Variant type: single nucleotide variant.
Coding change: c.3379C>G on transcript NM_001283009.2 (MANE Select); coding-DNA position 3379, C replaced by G.
Protein change: p.Arg1127Gly; replaces arginine 1127 with glycine.
Molecular consequence: missense variant. On other transcripts: non-coding transcript variant (1).
Genome position (GRCh38, 1-based): chr20:63,695,101, C>G. VCF-style: chr20-63695101-C-G. GRCh37 (hg19) VCF-style: chr20-62326454-C-G.
Other names: c.2710C>G, p.Arg904Gly (NM_001283010.1); c.3379C>G, p.Arg1127Gly (NM_016434.4); c.3451C>G, p.Arg1151Gly (NM_032957.5); short protein forms R1127G, R1151G, R904G.
Identifiers: ClinVar variation 3756416 (VCV003756416.2).

ClinVar aggregate classification (germline): Uncertain significance (1 of 4 stars; one submission).

Conditions:
Pulmonary fibrosis and/or bone marrow failure, Telomere-related, 3. Also called: PULMONARY FIBROSIS AND/OR BONE MARROW FAILURE SYNDROME, TELOMERE-RELATED, 3. Identifiers: Orphanet 2032, MedGen C4225346, MONDO:0014613, OMIM 616373.
Dyskeratosis congenita, autosomal recessive 5 (DKCB5). Identifiers: MedGen C3554656, MONDO:0014076, OMIM 615190.

Submission:

Labcorp Genetics (formerly Invitae), Labcorp
Classification: Uncertain significance for Dyskeratosis congenita, autosomal recessive 5; Pulmonary fibrosis and/or bone marrow failure, Telomere-related, 3. Last evaluated: 2024-05-18. Review status: criteria provided, single submitter. Criteria: Invitae Variant Classification Sherloc (09022015). Collection method: clinical testing. Allele origin: germline.
Comment: This sequence change replaces arginine, which is basic and polar, with glycine, which is neutral and non-polar, at codon 1127 of the RTEL1 protein (p.Arg1127Gly). This variant is not present in population databases (gnomAD no frequency). This variant has not been reported in the literature in individuals affected with RTEL1-related conditions. An algorithm developed to predict the effect of missense changes on protein structure and function (PolyPhen-2) suggests that this variant is likely to be tolerated. In summary, the available evidence is currently insufficient to determine the role of this variant in disease. Therefore, it has been classified as a Variant of Uncertain Significance.